The following is an entry in ClinVar:

NM_000528.4(MAN2B1):c.598C>A (p.His200Asn)

Gene: MAN2B1 (mannosidase alpha class 2B member 1; minus strand). Cytogenetic location: 19p13.13.
Variant type: single nucleotide variant.
Coding change: c.598C>A on transcript NM_000528.4 (MANE Select); coding-DNA position 598, C replaced by A.
Protein change: p.His200Asn; replaces histidine 200 with asparagine.
Molecular consequence: missense variant.
Genome position (GRCh38, 1-based): chr19:12,664,824, G>T on the plus strand (C>A on the coding strand, the complement: MAN2B1 is on the minus strand). VCF-style: chr19-12664824-G-T. GRCh37 (hg19) VCF-style: chr19-12775638-G-T.
Other names: c.598C>A, p.His200Asn (NM_001173498.2); short protein forms H200N.
Identifiers: ClinVar variation 208255 (VCV000208255.10), dbSNP rs772108001, ClinGen allele CA350939.

ClinVar aggregate classification (germline): Pathogenic/Likely pathogenic. Review status: criteria provided, multiple submitters, no conflicts (2 of 4 stars). 5 submissions from 5 submitters: Pathogenic (1); Likely pathogenic (2). 2 of the submissions do not count toward it. Last evaluated 2024-02-27.

Conditions:
Deficiency of alpha-mannosidase (MANSA). Also called: LYSOSOMAL ALPHA-D-MANNOSIDASE DEFICIENCY; Mannosidosis, alpha-, types I and II; Alpha-Mannosidosis. Identifiers: Orphanet 61, MedGen C0024748, MONDO:0009561, OMIM 248500.

Allele frequency attached by ClinVar (database versions not stated): gnomAD exomes below 0.00001 and 0.00001; ExAC 0.00001; gnomAD 0.00001; TOPMed 0.00001.
gnomAD v4.1: 2 of 1,613,680 alleles (0.00012%); highest among the groups gnomAD compares: Admixed American, 0.0033%; no homozygotes.

Submissions (5):

Fulgent Genetics
Classification: Likely pathogenic for Deficiency of alpha-mannosidase. Last evaluated: 2024-02-27. Review status: criteria provided, single submitter. Criteria: ACMG Guidelines, 2015. Collection method: clinical testing. Allele origin: germline.

Labcorp Genetics (formerly Invitae), Labcorp
Classification: Pathogenic for Deficiency of alpha-mannosidase. Last evaluated: 2022-09-17. Review status: criteria provided, single submitter. Criteria: Invitae Variant Classification Sherloc (09022015). Collection method: clinical testing. Allele origin: germline.
Comment: This missense change has been observed in individual(s) with alpha mannosidosis (PMID: 16919251, 22161967, 26048034). In at least one individual the data is consistent with being in trans (on the opposite chromosome) from a pathogenic variant. For these reasons, this variant has been classified as Pathogenic. This variant disrupts the p.His200 amino acid residue in MAN2B1. Other variant(s) that disrupt this residue have been observed in individuals with MAN2B1-related conditions (PMID: 22161967, 26048034), which suggests that this may be a clinically significant amino acid residue. Experimental studies have shown that this missense change affects MAN2B1 function (PMID: 16919251, 21505070, 22161967). Algorithms developed to predict the effect of missense changes on protein structure and function (SIFT, PolyPhen-2, Align-GVGD) all suggest that this variant is likely to be disruptive. ClinVar contains an entry for this variant (Variation ID: 208255). This variant is present in population databases (rs772108001, gnomAD 0.003%). This sequence change replaces histidine, which is basic and polar, with asparagine, which is neutral and polar, at codon 200 of the MAN2B1 protein (p.His200Asn).

Baylor Genetics
Classification: Likely pathogenic for Deficiency of alpha-mannosidase. Last evaluated: 2022-07-13. Review status: criteria provided, single submitter. Criteria: ACMG Guidelines, 2015. Collection method: clinical testing. Allele origin: unknown.

Counsyl
Classification: Uncertain significance for Deficiency of alpha-mannosidase. Last evaluated: 2018-02-05. Review status: no assertion criteria provided. Collection method: clinical testing. Allele origin: unknown. Not counted in ClinVar's aggregate classification.

ClinVar Staff, National Center for Biotechnology Information (NCBI)
No classification provided. Condition: Deficiency of alpha-mannosidase. Review status: no classification provided. Collection method: literature only. Allele origin: germline. Affected: yes. Not counted in ClinVar's aggregate classification.

Literature cited by the submitters: PubMed 16919251 (cited by Labcorp Genetics (formerly Invitae), Labcorp and Counsyl); PubMed 22161967 (cited by 3 submitters); PubMed 26048034 (cited by Labcorp Genetics (formerly Invitae), Labcorp); PubMed 21505070 (cited by Labcorp Genetics (formerly Invitae), Labcorp and Counsyl).